The following is an entry in ClinVar:

NM_006904.7(PRKDC):c.5363+5G>A

Gene: PRKDC (protein kinase, DNA-activated, catalytic subunit; minus strand). Cytogenetic location: 8q11.21.
Variant type: single nucleotide variant.
Coding change: c.5363+5G>A on transcript NM_006904.7 (MANE Select); 5 bases into the intron after coding-DNA position 5363, G replaced by A.
Molecular consequence: intron variant.
Genome position (GRCh38, 1-based): chr8:47,877,719, C>T on the plus strand (G>A on the coding strand, the complement: PRKDC is on the minus strand). VCF-style: chr8-47877719-C-T. GRCh37 (hg19) VCF-style: chr8-48790280-C-T.
Other names: c.5363+5G>A (NM_001081640.2).
Identifiers: ClinVar variation 1034500 (VCV001034500.6), dbSNP rs1234813231, ClinGen allele CA581660730.

ClinVar aggregate classification (germline): Uncertain significance (1 of 4 stars; one submission).

Conditions:
Severe combined immunodeficiency due to DNA-PKcs deficiency. Also called: Immunodeficiency 26 with or without neurologic abnormalities; IMMUNODEFICIENCY 26 WITH NEUROLOGIC ABNORMALITIES. Identifiers: Orphanet 317425, MedGen C4014833, MONDO:0014423, OMIM 615966.

Allele frequency attached by ClinVar (database versions not stated): gnomAD exomes below 0.00001 and 0.00001; TOPMed below 0.00001; gnomAD 0.00001.
gnomAD v4.1: 9 of 1,578,596 alleles (0.00057%); highest among the groups gnomAD compares: Non-Finnish European, 0.00077%; no homozygotes.

Submission:

Labcorp Genetics (formerly Invitae), Labcorp
Classification: Uncertain significance for Severe combined immunodeficiency due to DNA-PKcs deficiency. Last evaluated: 2020-09-16. Review status: criteria provided, single submitter. Criteria: Invitae Variant Classification Sherloc (09022015). Collection method: clinical testing. Allele origin: germline.
Comment: In summary, the available evidence is currently insufficient to determine the role of this variant in disease. Therefore, it has been classified as a Variant of Uncertain Significance. Nucleotide substitutions within the consensus splice site are a relatively common cause of aberrant splicing (PMID: 17576681, 9536098). Experimental studies and prediction algorithms are not available or were not evaluated, and the effect of this variant on mRNA splicing is currently unknown. This variant has not been reported in the literature in individuals with PRKDC-related conditions. This variant is not present in population databases (ExAC no frequency). This sequence change falls in intron 40 of the PRKDC gene. It does not directly change the encoded amino acid sequence of the PRKDC protein, but it affects a nucleotide within the consensus splice site of the intron.

Literature cited by the submitters: PubMed 17576681; PubMed 9536098.